The following is an entry in ClinVar:

ClinVar aggregate classification (germline): Benign/Likely benign. Review status: criteria provided, multiple submitters, no conflicts (2 of 4 stars). 2 submissions from 2 submitters: Benign (1); Likely benign (1). Last evaluated 2025-06-01.

Conditions:
Spastic paraplegia. Identifiers: MedGen C0037772, HP:0001258.

Allele frequency attached by ClinVar (database versions not stated): gnomAD exomes below 0.00001; TOPMed 0.00001; ExAC 0.00002.
gnomAD v4.1: 2 of 1,210,130 alleles (0.00017%); highest among the groups gnomAD compares: South Asian, 0.0035%; no homozygotes.

Submissions (2):

CeGaT Center for Human Genetics Tuebingen
Classification: Likely benign. Last evaluated: 2025-06-01. Review status: criteria provided, single submitter. Criteria: CeGaT Center For Human Genetics Tuebingen Variant Classification Criteria Version 2. Collection method: clinical testing. Allele origin: germline. Affected: yes. Observed: 1 variant allele.
Comment: L1CAM: BP4, BP7

Labcorp Genetics (formerly Invitae), Labcorp
Classification: Benign for Spastic paraplegia. Last evaluated: 2023-09-08. Review status: criteria provided, single submitter. Criteria: Invitae Variant Classification Sherloc (09022015). Collection method: clinical testing. Allele origin: germline.

NM_001278116.2(L1CAM):c.2109C>T (p.Val703=)

Gene: L1CAM (L1 cell adhesion molecule; minus strand). Cytogenetic location: Xq28.
Variant type: single nucleotide variant.
Coding change: c.2109C>T on transcript NM_001278116.2 (MANE Select); coding-DNA position 2109, C replaced by T.
Protein change: p.Val703=; no amino-acid change (valine 703 retained).
Molecular consequence: synonymous variant.
Genome position (GRCh38, 1-based): chrX:153,867,384, G>A on the plus strand (C>T on the coding strand, the complement: L1CAM is on the minus strand). VCF-style: chrX-153867384-G-A. GRCh37 (hg19) VCF-style: chrX-153132839-G-A.
Other names: c.2109C>T, p.Val703= (NM_000425.5, NM_024003.3); c.2094C>T, p.Val698= (NM_001143963.2).
Identifiers: ClinVar variation 2077359 (VCV002077359.12), dbSNP rs782369760, ClinGen allele CA10554240.
Genomic context (GRCh38, chrX:153,867,384, plus strand): 5'-GTGGCATGGGAGTGGGTGCCACCCTGACTCACCTGCCTCAGGTGTGACCACAGTCTCAGA[G>A]ACCGGGCTGGGCTCCCCGGGGCCATATTTGTTTATGGCAGTAACCCTAAAGGTGTAGTGG-3'
Protein context (NP_001265045.1, residues 693-713): NKYGPGEPSP[Val703=]SETVVTPEAA